The following is an entry in ClinVar:

ClinVar aggregate classification (germline): Likely benign (1 of 4 stars; one submission).

Allele frequency attached by ClinVar (database versions not stated): TOPMed 0.00011; gnomAD 0.00012; ESP Exome Variant Server 0.00015; 1000 Genomes Project 30x 0.00016; ExAC 0.00018; 1000 Genomes Project 0.00020.
gnomAD v4.1: 110 of 1,603,036 alleles (0.0069%); highest among the groups gnomAD compares: East Asian, 0.074%; no homozygotes.

Submissions (3):

CeGaT Center for Human Genetics Tuebingen
Classification: Likely benign. Last evaluated: 2022-07-01. Review status: criteria provided, single submitter. Criteria: CeGaT Center For Human Genetics Tuebingen Variant Classification Criteria Version 2. Collection method: clinical testing. Allele origin: germline. Affected: yes. Observed: 1 variant allele.
Comment: NOS3: BP4, BP7

Dr. Peter K. Rogan Lab, Western University
No classification provided (evidence only). Condition: Malignant tumor of urinary bladder. Review status: no classification provided. Collection method: in vitro. Allele origin: not applicable. Functional consequence: retained intron. Not counted in ClinVar's aggregate classification.

Dr. Peter K. Rogan Lab, Western University
No classification provided (evidence only). Condition: Adrenocortical carcinoma, hereditary. Review status: no classification provided. Collection method: in vitro. Allele origin: not applicable. Functional consequence: retained intron. Not counted in ClinVar's aggregate classification.

NM_000603.5(NOS3):c.3261C>T (p.Tyr1087=)

Genes: ATG9B (autophagy related 9B; minus strand), NOS3 (nitric oxide synthase 3; plus strand). Cytogenetic location: 7q36.1.
Variant type: single nucleotide variant.
Coding change: c.3261C>T on transcript NM_000603.5 (MANE Select); coding-DNA position 3261, C replaced by T.
Protein change: p.Tyr1087=; no amino-acid change (tyrosine 1087 retained).
Molecular consequence: synonymous variant.
Genome position (GRCh38, 1-based): chr7:151,013,729, C>T. VCF-style: chr7-151013729-C-T. GRCh37 (hg19) VCF-style: chr7-150710817-C-T.
Identifiers: ClinVar variation 2658170 (VCV002658170.25), dbSNP rs138104564, ClinGen allele CA4567653.